The following is an entry in ClinVar:

ClinVar aggregate classification (germline): Uncertain significance (1 of 4 stars; one submission).

Conditions:
Alagille syndrome due to a JAG1 point mutation. Also called: HEPATIC DUCTULAR HYPOPLASIA, SYNDROMATIC; JAG1-Related Alagille Syndrome; Alagille Syndrome 1. Identifiers: Orphanet 261619, Orphanet 52, MedGen C1956125, MONDO:0016862, OMIM 118450.

Submission:

Labcorp Genetics (formerly Invitae), Labcorp
Classification: Uncertain significance for Alagille syndrome due to a JAG1 point mutation. Last evaluated: 2020-02-15. Review status: criteria provided, single submitter. Criteria: Invitae Variant Classification Sherloc (09022015). Collection method: clinical testing. Allele origin: germline.
Comment: This sequence change replaces aspartic acid with histidine at codon 1160 of the JAG1 protein (p.Asp1160His). The aspartic acid residue is highly conserved and there is a moderate physicochemical difference between aspartic acid and histidine. This variant is not present in population databases (ExAC no frequency). This variant has not been reported in the literature in individuals with JAG1-related conditions. Algorithms developed to predict the effect of missense changes on protein structure and function (SIFT, PolyPhen-2, Align-GVGD) all suggest that this variant is likely to be disruptive, but these predictions have not been confirmed by published functional studies and their clinical significance is uncertain. In summary, the available evidence is currently insufficient to determine the role of this variant in disease. Therefore, it has been classified as a Variant of Uncertain Significance.

NM_000214.3(JAG1):c.3478G>C (p.Asp1160His)

Gene: JAG1 (jagged canonical Notch ligand 1; minus strand). Cytogenetic location: 20p12.2.
Variant type: single nucleotide variant.
Coding change: c.3478G>C on transcript NM_000214.3 (MANE Select); coding-DNA position 3478, G replaced by C.
Protein change: p.Asp1160His; replaces aspartic acid 1160 with histidine.
Molecular consequence: missense variant.
Genome position (GRCh38, 1-based): chr20:10,639,677, C>G on the plus strand (G>C on the coding strand, the complement: JAG1 is on the minus strand). VCF-style: chr20-10639677-C-G. GRCh37 (hg19) VCF-style: chr20-10620325-C-G.
Other names: short protein forms D1160H.
Identifiers: ClinVar variation 1014590 (VCV001014590.9), dbSNP rs755047447, ClinGen allele CA408242808.